The following is an entry in ClinVar:

NM_032043.3(BRIP1):c.2924A>G (p.Glu975Gly)

Gene: BRIP1 (BRCA1 interacting DNA helicase 1; minus strand). Cytogenetic location: 17q23.2.
Variant type: single nucleotide variant.
Coding change: c.2924A>G on transcript NM_032043.3 (MANE Select); coding-DNA position 2924, A replaced by G.
Protein change: p.Glu975Gly; replaces glutamic acid 975 with glycine.
Molecular consequence: missense variant.
Genome position (GRCh38, 1-based): chr17:61,684,122, T>C on the plus strand (A>G on the coding strand, the complement: BRIP1 is on the minus strand). VCF-style: chr17-61684122-T-C. GRCh37 (hg19) VCF-style: chr17-59761483-T-C.
Other names: short protein forms E975G.
Identifiers: ClinVar variation 4783555 (VCV004783555.2).

ClinVar aggregate classification (germline): Uncertain significance. Review status: criteria provided, multiple submitters, no conflicts (2 of 4 stars). 2 submissions from 2 submitters: Uncertain significance (2). Last evaluated 2026-04-11.

Conditions:
Fanconi anemia complementation group J. Also called: BRIP1-Related Fanconi Anemia. Identifiers: Orphanet 84, MedGen C1836860, MONDO:0012187, OMIM 609054.
Familial cancer of breast. Also called: BREAST CANCER, FAMILIAL; Hereditary breast cancer; hereditary breast carcinoma. Identifiers: Orphanet 227535, MedGen C0346153, MONDO:0016419, OMIM 114480. Disease mechanism: loss of function.
Hereditary cancer-predisposing syndrome. Also called: Hereditary neoplastic syndrome; Neoplastic Syndromes, Hereditary; Tumor predisposition; Hereditary Cancer Syndrome. Identifiers: Orphanet 140162, MedGen C0027672, MeSH D009386, MONDO:0015356.

Submissions (2):

Ambry Genetics
Classification: Uncertain significance for Hereditary cancer-predisposing syndrome. Last evaluated: 2026-04-11. Review status: criteria provided, single submitter. Criteria: Ambry Variant Classification Scheme 2023. Collection method: clinical testing. Allele origin: germline.
Comment: The p.E975G variant (also known as c.2924A>G), located in coding exon 19 of the BRIP1 gene, results from an A to G substitution at nucleotide position 2924. The glutamic acid at codon 975 is replaced by glycine, an amino acid with similar properties. This amino acid position is conserved. In addition, this alteration is predicted to be tolerated by in silico analysis. Based on the available evidence, the clinical significance of this variant remains unclear.

Labcorp Genetics (formerly Invitae), Labcorp
Classification: Uncertain significance for Familial cancer of breast; Fanconi anemia complementation group J. Last evaluated: 2025-04-22. Review status: criteria provided, single submitter. Criteria: Invitae Variant Classification Sherloc (09022015). Collection method: clinical testing. Allele origin: germline.
Comment: This sequence change replaces glutamic acid, which is acidic and polar, with glycine, which is neutral and non-polar, at codon 975 of the BRIP1 protein (p.Glu975Gly). This variant is not present in population databases (gnomAD no frequency). This variant has not been reported in the literature in individuals affected with BRIP1-related conditions. Invitae Evidence Modeling of protein sequence and biophysical properties (such as structural, functional, and spatial information, amino acid conservation, physicochemical variation, residue mobility, and thermodynamic stability) indicates that this missense variant is not expected to disrupt BRIP1 protein function with a negative predictive value of 95%. In summary, the available evidence is currently insufficient to determine the role of this variant in disease. Therefore, it has been classified as a Variant of Uncertain Significance.